The following is an entry in ClinVar:

ClinVar aggregate classification (germline): Uncertain significance (1 of 4 stars; one submission).

Conditions:
Hereditary cancer-predisposing syndrome. Also called: Neoplastic Syndromes, Hereditary; Tumor predisposition; Hereditary Cancer Syndrome; Hereditary neoplastic syndrome. Identifiers: Orphanet 140162, MedGen C0027672, MeSH D009386, MONDO:0015356.
Cardiovascular phenotype. Identifiers: MedGen CN230736.

Submission:

Ambry Genetics
Classification: Uncertain significance for Cardiovascular phenotype; Hereditary cancer-predisposing syndrome. Last evaluated: 2023-11-15. Review status: criteria provided, single submitter. Criteria: Ambry Variant Classification Scheme 2023. Collection method: clinical testing. Allele origin: germline.
Comment: The p.P715L variant (also known as c.2144C>T), located in coding exon 18 of the LZTR1 gene, results from a C to T substitution at nucleotide position 2144. The proline at codon 715 is replaced by leucine, an amino acid with similar properties. This amino acid position is highly conserved in available vertebrate species. In addition, this alteration is predicted to be deleterious by in silico analysis. Since supporting evidence is limited at this time, the clinical significance of this alteration remains unclear.

NM_006767.4(LZTR1):c.2144C>T (p.Pro715Leu)

Gene: LZTR1 (leucine zipper like post translational regulator 1; plus strand). Cytogenetic location: 22q11.21.
Variant type: single nucleotide variant.
Coding change: c.2144C>T on transcript NM_006767.4 (MANE Select); coding-DNA position 2144, C replaced by T.
Protein change: p.Pro715Leu; replaces proline 715 with leucine.
Molecular consequence: missense variant.
Genome position (GRCh38, 1-based): chr22:20,996,037, C>T. VCF-style: chr22-20996037-C-T. GRCh37 (hg19) VCF-style: chr22-21350326-C-T.
Other names: short protein forms P715L.
Identifiers: ClinVar variation 1786628 (VCV001786628.2), dbSNP rs2518624586, ClinGen allele CA410779568.